The following is an entry in ClinVar:

ClinVar aggregate classification (germline): Uncertain significance. Review status: criteria provided, single submitter (1 of 4 stars). 2 submissions from 2 submitters: Uncertain significance (1). 1 of the submissions does not count toward it. Last evaluated 2023-01-23.

Conditions:
PLXNA2-related disorder. Also called: PLXNA2-related condition.

Submissions (2):

Ambry Genetics
Classification: Uncertain significance. Last evaluated: 2023-01-23. Review status: criteria provided, single submitter. Criteria: Ambry Variant Classification Scheme 2023. Collection method: clinical testing. Allele origin: germline.

PreventionGenetics, part of Exact Sciences
Classification: Uncertain significance for PLXNA2-related condition. Last evaluated: 2024-01-03. Review status: no assertion criteria provided. Collection method: clinical testing. Allele origin: germline. Not counted in ClinVar's aggregate classification.
Comment: The PLXNA2 c.3739A>G variant is predicted to result in the amino acid substitution p.Ser1247Gly. To our knowledge, this variant has not been reported in the literature or in a large population database, indicating this variant is rare. At this time, the clinical significance of this variant is uncertain due to the absence of conclusive functional and genetic evidence.

NM_025179.4(PLXNA2):c.3739A>G (p.Ser1247Gly)

Gene: PLXNA2 (plexin A2; minus strand). Cytogenetic location: 1q32.2.
Variant type: single nucleotide variant.
Coding change: c.3739A>G on transcript NM_025179.4 (MANE Select); coding-DNA position 3739, A replaced by G.
Protein change: p.Ser1247Gly; replaces serine 1247 with glycine.
Molecular consequence: missense variant.
Genome position (GRCh38, 1-based): chr1:208,044,643, T>C on the plus strand (A>G on the coding strand, the complement: PLXNA2 is on the minus strand). VCF-style: chr1-208044643-T-C. GRCh37 (hg19) VCF-style: chr1-208217988-T-C.
Other names: short protein forms S1247G.
Identifiers: ClinVar variation 2477711 (VCV002477711.3), dbSNP rs1390035324, ClinGen allele CA344563579.